The following is an entry in ClinVar:

ClinVar aggregate classification (germline): Uncertain significance (1 of 4 stars; one submission).

Conditions:
Surfactant metabolism dysfunction, pulmonary, 4 (SMDP4). Also called: CSF2RA DEFICIENCY; PAP DUE TO CSF2RA DEFICIENCY; PULMONARY ALVEOLAR PROTEINOSIS, CONGENITAL, 4. Identifiers: Orphanet 264675, MedGen C2677877, MONDO:0010424, OMIM 300770.

Submission:

Labcorp Genetics (formerly Invitae), Labcorp
Classification: Uncertain significance for Surfactant metabolism dysfunction, pulmonary, 4. Last evaluated: 2022-05-04. Review status: criteria provided, single submitter. Criteria: Invitae Variant Classification Sherloc (09022015). Collection method: clinical testing. Allele origin: germline.
Comment: Algorithms developed to predict the effect of missense changes on protein structure and function output the following: SIFT: "Tolerated"; PolyPhen-2: "Benign"; Align-GVGD: "Class C0". The aspartic acid amino acid residue is found in multiple mammalian species, which suggests that this missense change does not adversely affect protein function. This sequence change replaces asparagine, which is neutral and polar, with aspartic acid, which is acidic and polar, at codon 268 of the CSF2RA protein (p.Asn268Asp). This variant is not present in population databases (gnomAD no frequency). This variant has not been reported in the literature in individuals affected with CSF2RA-related conditions. In summary, the available evidence is currently insufficient to determine the role of this variant in disease. Therefore, it has been classified as a Variant of Uncertain Significance.

NM_172245.4(CSF2RA):c.802A>G (p.Asn268Asp)

Gene: CSF2RA (colony stimulating factor 2 receptor subunit alpha; plus strand). Cytogenetic location: Xp22.33.
Variant type: single nucleotide variant.
Coding change: c.802A>G on transcript NM_172245.4 (MANE Select); coding-DNA position 802, A replaced by G.
Protein change: p.Asn268Asp; replaces asparagine 268 with aspartic acid.
Molecular consequence: missense variant. On other transcripts: synonymous variant (1), non-coding transcript variant (1), intron variant (2).
Genome position (GRCh38, 1-based): chrX:1,295,448, A>G. VCF-style: chrX-1295448-A-G. GRCh37 (hg19) VCF-style: chrX-1414341-A-G.
Other names: c.802A>G, p.Asn268Asp (NM_001161529.2, NM_001161530.2, NM_001161531.2 and 18 more transcripts); c.403A>G, p.Asn135Asp (NM_001161532.2); c.783A>G, p.Lys261= (NM_001379166.1); c.646+4939A>G (NM_172249.4); c.780+987A>G (NM_001379160.1); short protein forms N135D, N268D.
Identifiers: ClinVar variation 2133527 (VCV002133527.4), dbSNP rs2522472783, ClinGen allele CA412236204.
Genomic context (GRCh38, chrX:1,295,448, plus strand): 5'-AAACAGTGAGCCTTGTGTTGTGTTTTGTTTTGTTTCTAGAATACCCAGCCTGGCACGGAA[A>G]ACCTACTGGTAAGTGAAACCACAGACCCTACTGACAACCCTCAGCGTAACCCTACGGTCC-3'
Protein context (NP_758448.1, residues 258-278): HRKNTQPGTE[Asn268Asp]LLINVSGDLE